The following is an entry in ClinVar:

NM_152564.5(VPS13B):c.3088C>T (p.Arg1030Cys)

Gene: VPS13B (vacuolar protein sorting 13 homolog B; plus strand). Cytogenetic location: 8q22.2.
Variant type: single nucleotide variant.
Coding change: c.3088C>T on transcript NM_152564.5 (MANE Select); coding-DNA position 3088, C replaced by T.
Protein change: p.Arg1030Cys; replaces arginine 1030 with cysteine.
Molecular consequence: missense variant.
Genome position (GRCh38, 1-based): chr8:99,431,542, C>T. VCF-style: chr8-99431542-C-T. GRCh37 (hg19) VCF-style: chr8-100443770-C-T.
Other names: c.3088C>T (NM_017890.3, NM_152564.4); c.3088C>T, p.Arg1030Cys (NM_017890.5); short protein forms R1030C.
Identifiers: ClinVar variation 964983 (VCV000964983.9), dbSNP rs374072699, ClinGen allele CA4823169.

ClinVar aggregate classification (germline): Uncertain significance. Review status: criteria provided, multiple submitters, no conflicts (2 of 4 stars). 4 submissions from 4 submitters: Uncertain significance (3). 1 of the submissions does not count toward it. Last evaluated 2026-03-10.

Conditions:
Cohen syndrome (COH1). Also called: PEPPER SYNDROME; Cutis verticis gyrata, retinitis pigmentosa, and sensorineural deafness. Identifiers: Orphanet 193, MedGen C0265223, MONDO:0008999, OMIM 216550.
Inborn genetic diseases. Identifiers: MedGen C0950123, MeSH D030342.
VPS13B-related disorder. Also called: VPS13B-related condition.

Allele frequency attached by ClinVar (database versions not stated): ExAC 0.00007; ESP Exome Variant Server 0.00008; gnomAD 0.00009 and 0.00010; gnomAD exomes 0.00009 and 0.00004; TOPMed 0.00013.
gnomAD v4.1: 71 of 1,613,120 alleles (0.0044%); highest among the groups gnomAD compares: African/African-American, 0.0067%; no homozygotes.

Submissions (4):

PreventionGenetics, part of Exact Sciences
Classification: Uncertain significance for VPS13B-related condition. Last evaluated: 2026-03-10. Review status: criteria provided, single submitter. Criteria: ACMG Guidelines, 2015. Collection method: clinical testing. Allele origin: germline.
Comment: The VPS13B c.3088C>T variant is predicted to result in the amino acid substitution p.Arg1030Cys. To our knowledge, this variant has not been reported in the literature. This variant is reported in 0.14% of alleles in individuals of Ashkenazi Jewish descent in gnomAD. Although we suspect that this variant may be benign, at this time, the clinical significance of this variant is uncertain due to the absence of conclusive functional and genetic evidence.

Labcorp Genetics (formerly Invitae), Labcorp
Classification: Uncertain significance for Cohen syndrome. Last evaluated: 2022-10-03. Review status: criteria provided, single submitter. Criteria: Invitae Variant Classification Sherloc (09022015). Collection method: clinical testing. Allele origin: germline.
Comment: This sequence change replaces arginine, which is basic and polar, with cysteine, which is neutral and slightly polar, at codon 1030 of the VPS13B protein (p.Arg1030Cys). This variant is present in population databases (rs374072699, gnomAD 0.2%). This variant has not been reported in the literature in individuals affected with VPS13B-related conditions. ClinVar contains an entry for this variant (Variation ID: 964983). Advanced modeling of protein sequence and biophysical properties (such as structural, functional, and spatial information, amino acid conservation, physicochemical variation, residue mobility, and thermodynamic stability) performed at Invitae indicates that this missense variant is expected to disrupt VPS13B protein function. In summary, the available evidence is currently insufficient to determine the role of this variant in disease. Therefore, it has been classified as a Variant of Uncertain Significance.

Ambry Genetics
Classification: Uncertain significance for Inborn genetic diseases. Last evaluated: 2019-03-12. Review status: criteria provided, single submitter. Criteria: Ambry Variant Classification Scheme 2023. Collection method: clinical testing. Allele origin: germline.
Comment: The p.R1030C variant (also known as c.3088C>T), located in coding exon 21 of the VPS13B gene, results from a C to T substitution at nucleotide position 3088. The arginine at codon 1030 is replaced by cysteine, an amino acid with highly dissimilar properties. This amino acid position is highly conserved in available vertebrate species. In addition, the in silico prediction for this alteration is inconclusive. Since supporting evidence is limited at this time, the clinical significance of this alteration remains unclear.

Natera, Inc.
Classification: Uncertain significance for Cohen syndrome. Last evaluated: 2020-02-21. Review status: no assertion criteria provided. Collection method: clinical testing. Allele origin: germline. Not counted in ClinVar's aggregate classification.